The following is an entry in ClinVar:

NC_000015.9:g.(?_43892732)_(43893212_?)dup

Gene: STRC (stereocilin; minus strand). Cytogenetic location: 15q15.3.
Variant type: Duplication.
Identifiers: ClinVar variation 229274 (VCV000229274.5).

ClinVar aggregate classification (germline): Uncertain significance (1 of 4 stars; one submission).

Submission:

Laboratory for Molecular Medicine, Mass General Brigham Personalized Medicine
Classification: Uncertain significance. Last evaluated: 2015-02-24. Review status: criteria provided, single submitter. Criteria: LMM Criteria. Collection method: clinical testing. Allele origin: germline. Observed: 1 variant allele.
Comment: The exon 25-26 duplication variant in STRC has not been previously reported in i ndividuals with hearing loss. Larger duplications spanning this region has been reported in 11 individuals without any reported clinical features (Sudmant 2013; DGV nsv974568; Cooper 2011; DGV nsv569243); however, this information is not en ough to rule out pathogenicity. The impact of this duplication on normal protein structure and function, if any, cannot be determined without functional studies . In summary, the clinical significance of this variant is uncertain. It should be noted that exact breakpoints of the detected duplication and therefore its ex act location in the genome could not be determined due to limitations of the tes ting methodology.